The following is an entry in ClinVar:

NM_001267550.2(TTN):c.89515A>G (p.Ile29839Val)

Genes: TTN (titin; minus strand), TTN-AS1 (TTN antisense RNA 1; plus strand). Cytogenetic location: 2q31.2.
Variant type: single nucleotide variant.
Coding change: c.89515A>G on transcript NM_001267550.2 (MANE Select); coding-DNA position 89515, A replaced by G.
Protein change: p.Ile29839Val; replaces isoleucine 29839 with valine.
Molecular consequence: missense variant.
Genome position (GRCh38, 1-based): chr2:178,553,385, T>C on the plus strand (A>G on the coding strand, the complement: TTN is on the minus strand). VCF-style: chr2-178553385-T-C. GRCh37 (hg19) VCF-style: chr2-179418112-T-C.
Other names: c.84592A>G, p.Ile28198Val (NM_001256850.1); c.62320A>G, p.Ile20774Val (NM_003319.4); c.62695A>G, p.Ile20899Val (NM_133432.3); c.62896A>G, p.Ile20966Val (NM_133437.4); c.81811A>G, p.Ile27271Val (NM_133378.4); short protein forms I27271V, I29839V, I28198V, I20774V, I20966V, I20899V.
Identifiers: ClinVar variation 229540 (VCV000229540.13), dbSNP rs750806089, ClinGen allele CA1987898.

ClinVar aggregate classification (germline): Conflicting classifications of pathogenicity. Review status: criteria provided, conflicting classifications (1 of 4 stars). 7 submissions from 7 submitters: Uncertain significance (4); Likely benign (1). 2 of the submissions do not count toward it. Last evaluated 2025-09-12.

Conditions:
TTN-related disorder. Also called: TTN-related disorders; TTN-related condition; TTN-related disease.

Allele frequency attached by ClinVar (database versions not stated): gnomAD exomes 0.00001 and 0.00003; ExAC 0.00003; gnomAD 0.00008 and 0.00009; TOPMed 0.00011.
gnomAD v4.1: 29 of 1,593,676 alleles (0.0018%); highest among the groups gnomAD compares: African/African-American, 0.028%; no homozygotes.

Submissions (7):

PreventionGenetics, part of Exact Sciences
Classification: Uncertain significance for TTN-related condition. Last evaluated: 2025-09-12. Review status: criteria provided, single submitter. Criteria: ACMG Guidelines, 2015. Collection method: clinical testing. Allele origin: germline.
Comment: The TTN c.89515A>G variant is predicted to result in the amino acid substitution p.Ile29839Val. This variant has been reported in an individual with dilated cardiomyopathy (reported as c.81811A>G, p.Ile27271Val from transcript NM_133378 in Supplemental Table 2, Burstein et al. 2021. PubMed ID: 32746448) and in an individual with left ventricular noncompaction (Supplementary Table S2, Mazzarotto et al. 2021. PubMed ID: 33500567). This variant is reported in 0.025% of alleles in individuals of African descent in gnomAD and has conflicting interpretations regarding its pathogenicity in ClinVar, ranging from likely benign to uncertain (Variation ID: 229540). At this time, the clinical significance of this variant is uncertain due to the absence of conclusive functional and genetic evidence.

Revvity Omics, Revvity
Classification: Uncertain significance. Last evaluated: 2023-12-21. Review status: criteria provided, single submitter. Criteria: ACMG Guidelines, 2015. Collection method: clinical testing. Allele origin: germline.

GeneDx
Classification: Likely benign. Last evaluated: 2019-11-14. Review status: criteria provided, single submitter. Criteria: GeneDx Variant Classification Process June 2021. Collection method: clinical testing. Allele origin: germline. Affected: yes.

Athena Diagnostics
Classification: Uncertain significance. Last evaluated: 2017-05-30. Review status: criteria provided, single submitter. Criteria: Athena Diagnostics Criteria. Collection method: clinical testing. Allele origin: germline.

Laboratory for Molecular Medicine, Mass General Brigham Personalized Medicine
Classification: Uncertain significance. Last evaluated: 2015-10-22. Review status: criteria provided, single submitter. Criteria: LMM Criteria. Collection method: clinical testing. Allele origin: germline. Observed: 1 variant allele.
Comment: The p.Ile27271Val variant in TTN has not been previously reported in individuals with cardiomyopathy but has been identified in 2/11502 Latino chromosomes and 1 /9636 African chromosomes by the Exome Aggregation Consortium (ExAC .). Computational prediction tools and conservation analysis d o not provide strong support for or against an impact to the protein. In summary , the clinical significance of the p.Ile27271Val variant is uncertain.

Clinical Genetics, Academic Medical Center
Classification: Uncertain significance. Review status: no assertion criteria provided. Collection method: clinical testing. Allele origin: germline. Affected: yes. Study: VKGL Data-share Consensus. Not counted in ClinVar's aggregate classification.

Laboratory of Diagnostic Genome Analysis, Leiden University Medical Center (LUMC)
Classification: Uncertain significance. Review status: no assertion criteria provided. Collection method: clinical testing. Allele origin: germline. Affected: yes. Study: VKGL Data-share Consensus. Not counted in ClinVar's aggregate classification.